The following is an entry in ClinVar:

NM_013339.4(ALG6):c.1204G>A (p.Val402Ile)

Gene: ALG6 (ALG6 alpha-1,3-glucosyltransferase; plus strand). Cytogenetic location: 1p31.3.
Variant type: single nucleotide variant.
Coding change: c.1204G>A on transcript NM_013339.4 (MANE Select); coding-DNA position 1204, G replaced by A.
Protein change: p.Val402Ile; replaces valine 402 with isoleucine.
Molecular consequence: missense variant.
Genome position (GRCh38, 1-based): chr1:63,429,004, G>A. VCF-style: chr1-63429004-G-A. GRCh37 (hg19) VCF-style: chr1-63894675-G-A.
Other names: c.1204G>A (NM_013339.3); short protein forms V402I.
Identifiers: ClinVar variation 1439863 (VCV001439863.6), dbSNP rs1212756714, ClinGen allele CA340640085.

ClinVar aggregate classification (germline): Uncertain significance. Review status: criteria provided, multiple submitters, no conflicts (2 of 4 stars). 2 submissions from 2 submitters: Uncertain significance (2). Last evaluated 2023-11-22.

Conditions:
Inborn genetic diseases. Identifiers: MedGen C0950123, MeSH D030342.
ALG6-congenital disorder of glycosylation 1C (CDG1C). Also called: Congenital disorder of glycosylation type 1C; CDG Ic; Congenital disorder of glycosylation, type Ic; CARBOHYDRATE-DEFICIENT GLYCOPROTEIN SYNDROME, TYPE I, WITH DEFICIENT GLYCOSYLATION OF DOLICHOL-LINKED OLIGOSACCHARIDE; CARBOHYDRATE-DEFICIENT GLYCOPROTEIN SYNDROME, TYPE V. Identifiers: Orphanet 79320, MedGen C2930997, MONDO:0011291, OMIM 603147.

Allele frequency attached by ClinVar (database versions not stated): gnomAD exomes below 0.00001 and 0.00001.
gnomAD v4.1: 6 of 1,611,622 alleles (0.00037%); highest among the groups gnomAD compares: Admixed American, 0.005%; no homozygotes.

Submissions (2):

Ambry Genetics
Classification: Uncertain significance for Inborn genetic diseases. Last evaluated: 2023-11-22. Review status: criteria provided, single submitter. Criteria: Ambry Variant Classification Scheme 2023. Collection method: clinical testing. Allele origin: germline.

Labcorp Genetics (formerly Invitae), Labcorp
Classification: Uncertain significance for ALG6-congenital disorder of glycosylation 1C. Last evaluated: 2021-08-23. Review status: criteria provided, single submitter. Criteria: Invitae Variant Classification Sherloc (09022015). Collection method: clinical testing. Allele origin: germline.
Comment: In summary, the available evidence is currently insufficient to determine the role of this variant in disease. Therefore, it has been classified as a Variant of Uncertain Significance. Algorithms developed to predict the effect of missense changes on protein structure and function (SIFT, PolyPhen-2, Align-GVGD) all suggest that this variant is likely to be tolerated. This variant has not been reported in the literature in individuals affected with ALG6-related conditions. This variant is not present in population databases (ExAC no frequency). This sequence change replaces valine with isoleucine at codon 402 of the ALG6 protein (p.Val402Ile). The valine residue is weakly conserved and there is a small physicochemical difference between valine and isoleucine.